The following is an entry in ClinVar:

ClinVar aggregate classification (germline): Pathogenic (1 of 4 stars; one submission).

Conditions:
Early-infantile DEE. Also called: Ohtahara syndrome; Early infantile epileptic encephalopathy with suppression bursts; Early infantile epileptic encephalopathy. Identifiers: Orphanet 1934, MedGen C0393706, MONDO:0800491.

Submission:

Labcorp Genetics (formerly Invitae), Labcorp
Classification: Pathogenic for Early-infantile DEE. Last evaluated: 2020-02-05. Review status: criteria provided, single submitter. Criteria: Invitae Variant Classification Sherloc (09022015). Collection method: clinical testing. Allele origin: germline.
Comment: This variant has not been reported in the literature in individuals with SCN1A-related conditions. For these reasons, this variant has been classified as Pathogenic. This variant disrupts the C-terminus of the SCN1A protein. Other variant(s) that disrupt this region (p.Phe1671Thrfs*8) have been determined to be pathogenic (PMID: 11359211, 26993267). This suggests that variants that disrupt this region of the protein are likely to be causative of disease. This variant is not present in population databases (ExAC no frequency). This sequence change results in a premature translational stop signal in the SCN1A gene (p.Arg1657Hisfs*17). While this is not anticipated to result in nonsense mediated decay, it is expected to disrupt the last 353 amino acids of the SCN1A protein.

Literature cited by the submitters: PubMed 11359211; PubMed 26993267.

NM_001165963.4(SCN1A):c.4966_4969dup (p.Arg1657fs)

Genes: SCN1A (sodium voltage-gated channel alpha subunit 1; minus strand), LOC102724058 (uncharacterized LOC102724058; plus strand). Cytogenetic location: 2q24.3.
Variant type: Duplication.
Coding change: c.4966_4969dup on transcript NM_001165963.4 (MANE Select); coding-DNA positions 4966 to 4969, 4 bases duplicated (ATCC; older notation c.4966_4969dupATCC).
Protein change: p.Arg1657fs; shifts the reading frame from arginine 1657.
Molecular consequence: frameshift variant. On other transcripts: non-coding transcript variant (1).
Genome position (GRCh38, 1-based): chr2:165,992,306-165,992,309, GGAT duplicated on the plus strand (ATCC on the coding strand, the reverse complement: SCN1A is on the minus strand). VCF-style (leftmost placement, unchanged base first): chr2-165992305-C-CGGAT. GRCh37 (hg19) VCF-style: chr2-166848815-C-CGGAT.
Other names: c.4882_4885dup, p.Arg1629fs (NM_001165964.3, NM_001353957.2, NM_001353958.2); c.4966_4969dup, p.Arg1657fs (NM_001202435.3, NM_001353948.2); c.4933_4936dup, p.Arg1646fs (NM_001353949.2, NM_001353950.2, NM_001353951.2 and 2 more transcripts); c.4930_4933dup, p.Arg1645fs (NM_001353954.2, NM_001353955.2); c.4879_4882dup, p.Arg1628fs (NM_001353960.2); c.2524_2527dup, p.Arg843fs (NM_001353961.2); short protein forms R1628fs, R1629fs, R1645fs, R1646fs, R1657fs, R843fs.
Identifiers: ClinVar variation 1070791 (VCV001070791.10), dbSNP rs2105434276, ClinGen allele CA2499215173.